The following is an entry in ClinVar:

NM_003719.5(PDE8B):c.1168-9C>T

Gene: PDE8B (phosphodiesterase 8B; plus strand). Cytogenetic location: 5q13.3.
Variant type: single nucleotide variant.
Coding change: c.1168-9C>T on transcript NM_003719.5 (MANE Select); 9 bases into the intron before coding-DNA position 1168, C replaced by T.
Molecular consequence: intron variant.
Genome position (GRCh38, 1-based): chr5:77,400,239, C>T. VCF-style: chr5-77400239-C-T. GRCh37 (hg19) VCF-style: chr5-76696064-C-T.
Other names: c.1168-9C>T (NM_003719.3, NM_001029852.4); c.928-9C>T (NM_001349750.3); c.784-9C>T (NM_001376069.1); c.865-9C>T (NM_001376062.1, NM_001376072.1); c.724-9C>T (NM_001376070.1); c.574-9C>T (NM_001376073.1); c.862-9C>T (NM_001349752.3); c.721-9C>T (NM_001376071.1); and 12 more.
Identifiers: ClinVar variation 1989977 (VCV001989977.6), dbSNP rs573997104, ClinGen allele CA3315172.

ClinVar aggregate classification (germline): Likely benign. Review status: criteria provided, single submitter (1 of 4 stars). 2 submissions from 2 submitters: Likely benign (1). 1 of the submissions does not count toward it. Last evaluated 2024-07-29.

Conditions:
PDE8B-related disorder. Also called: PDE8B-related condition.

Allele frequency attached by ClinVar (database versions not stated): ExAC 0.00003; gnomAD 0.00005; gnomAD exomes 0.00005; TOPMed 0.00005.
gnomAD v4.1: 85 of 1,587,580 alleles (0.0054%); highest among the groups gnomAD compares: Non-Finnish European, 0.0063%; 1 homozygote.

Submissions (2):

Labcorp Genetics (formerly Invitae), Labcorp
Classification: Likely benign. Last evaluated: 2024-07-29. Review status: criteria provided, single submitter. Criteria: Invitae Variant Classification Sherloc (09022015). Collection method: clinical testing. Allele origin: germline.

PreventionGenetics, part of Exact Sciences
Classification: Likely benign for PDE8B-related condition. Last evaluated: 2019-06-07. Review status: no assertion criteria provided. Collection method: clinical testing. Allele origin: germline. Not counted in ClinVar's aggregate classification.
Comment: This variant is classified as likely benign based on ACMG/AMP sequence variant interpretation guidelines (Richards et al. 2015 PMID: 25741868, with internal and published modifications).